The following is an entry in ClinVar:

ClinVar aggregate classification (germline): Uncertain significance (1 of 4 stars; one submission).

Conditions:
Inborn genetic diseases. Identifiers: MedGen C0950123, MeSH D030342.

Submission:

Ambry Genetics
Classification: Uncertain significance for Inborn genetic diseases. Last evaluated: 2019-12-19. Review status: criteria provided, single submitter. Criteria: Ambry Variant Classification Scheme 2023. Collection method: clinical testing. Allele origin: germline.
Comment: The c.3709_3717dupCCAGTTTCT variant (also known as p.P1237_S1239dup), located in coding exon 8 of the SETX gene, results from an in-frame duplication of CCAGTTTCT at nucleotide positions 3709 to 3717. This results in the duplication of 3 extra residues (PVS) between codons 1237 and 1239. This amino acid position is not well conserved in available vertebrate species. Since supporting evidence is limited at this time, the clinical significance of this alteration remains unclear.

NM_015046.7(SETX):c.3709_3717dup (p.Ser1239_Lys1240insProValSer)

Gene: SETX (senataxin; minus strand). Cytogenetic location: 9q34.13.
Variant type: Duplication.
Coding change: c.3709_3717dup on transcript NM_015046.7 (MANE Select); coding-DNA positions 3709 to 3717, 9 bases duplicated (CCAGTTTCT; older notation c.3709_3717dupCCAGTTTCT).
Protein change: p.Ser1239_Lys1240insProValSer.
Molecular consequence: inframe insertion. On other transcripts: inframe indel (1).
Genome position (GRCh38, 1-based): chr9:132,327,881-132,327,889, AGAAACTGG duplicated on the plus strand (CCAGTTTCT on the coding strand, the reverse complement: SETX is on the minus strand); duplicating any 9 consecutive bases within chr9:132,327,881-132,327,890 gives the same sequence; the c. name uses the placement nearest the transcript's 3' end. VCF-style (leftmost placement, unchanged base first): chr9-132327880-T-TAGAAACTGG. GRCh37 (hg19) VCF-style: chr9-135203267-T-TAGAAACTGG.
Other names: c.3709_3717dup, p.Ser1239_Lys1240insProValSer (NM_001351527.2, NM_001351528.2); c.3709_3717dupCCAGTTTCT (NM_015046.5).
Identifiers: ClinVar variation 1734166 (VCV001734166.2), dbSNP rs2539105042, ClinGen allele CA2580079883.
Genomic context (GRCh38, chr9:132,327,880, plus strand): 5'-GGTAATTTGAACTTCTATTCTGTCCTTTTTTGGCATCTGAATGAGTTTTCTTAGGGGTCT[T>TAGAAACTGG]AGAAACTGGAACTTTCCTGATGGGTTCTGTACAAGTACAAAGCTTTGAAGACTTCTTTTG-3'